The following is an entry in ClinVar:

ClinVar aggregate classification (germline): Uncertain significance (1 of 4 stars; one submission).

Conditions:
Inborn genetic diseases. Identifiers: MedGen C0950123, MeSH D030342.

Submission:

Ambry Genetics
Classification: Uncertain significance for Inborn genetic diseases. Last evaluated: 2023-01-27. Review status: criteria provided, single submitter. Criteria: Ambry Variant Classification Scheme 2023. Collection method: clinical testing. Allele origin: germline.
Comment: Not expected to trigger nonsense-mediated mRNA decay Based on insufficient or conflicting evidence, the clinical significance of this alteration remains unclear.

NM_024298.5(MBOAT7):c.1006_1009dup (p.Pro337fs)

Gene: MBOAT7 (membrane bound acylglycerophosphatidylinositol O-acyltransferase MBOAT7; minus strand). Cytogenetic location: 19q13.42.
Variant type: Duplication.
Coding change: c.1006_1009dup on transcript NM_024298.5 (MANE Select); coding-DNA positions 1006 to 1009, 4 bases duplicated (GCAC; older notation c.1006_1009dupGCAC).
Protein change: p.Pro337fs; shifts the reading frame from proline 337.
Molecular consequence: frameshift variant.
Genome position (GRCh38, 1-based): chr19:54,178,787-54,178,790, GTGC duplicated on the plus strand (GCAC on the coding strand, the reverse complement: MBOAT7 is on the minus strand); duplicating any 4 consecutive bases within chr19:54,178,787-54,178,791 gives the same sequence; the c. name uses the placement nearest the transcript's 3' end. VCF-style (leftmost placement, unchanged base first): chr19-54178786-G-GGTGC. GRCh37 (hg19) VCF-style: chr19-54682503-G-GGTGC.
Other names: c.787_790dup, p.Pro264fs (NM_001146056.3, NM_001146083.3); c.1006_1009dup, p.Pro337fs (NM_001146082.3); short protein forms P264fs, P337fs.
Identifiers: ClinVar variation 2473893 (VCV002473893.2), dbSNP rs2076182917, ClinGen allele CA2342731886.